The following is an entry in ClinVar:

NM_017986.4(SLC52A1):c.946G>T (p.Ala316Ser)

Gene: SLC52A1 (solute carrier family 52 member 1; minus strand). Cytogenetic location: 17p13.2.
Variant type: single nucleotide variant.
Coding change: c.946G>T on transcript NM_017986.4 (MANE Select); coding-DNA position 946, G replaced by T.
Protein change: p.Ala316Ser; replaces alanine 316 with serine.
Molecular consequence: missense variant.
Genome position (GRCh38, 1-based): chr17:5,033,543, C>A on the plus strand (G>T on the coding strand, the complement: SLC52A1 is on the minus strand). VCF-style: chr17-5033543-C-A. GRCh37 (hg19) VCF-style: chr17-4936838-C-A.
Other names: c.946G>T, p.Ala316Ser (NM_001104577.2); short protein forms A316S.
Identifiers: ClinVar variation 4738182 (VCV004738182.1).

ClinVar aggregate classification (germline): Uncertain significance (1 of 4 stars; one submission).

Conditions:
Vitamin B2 deficiency. Identifiers: MedGen C0035528.

Submission:

Labcorp Genetics (formerly Invitae), Labcorp
Classification: Uncertain significance for Vitamin B2 deficiency. Last evaluated: 2026-01-08. Review status: criteria provided, single submitter. Criteria: Invitae Variant Classification Sherloc (09022015). Collection method: clinical testing. Allele origin: germline.
Comment: This sequence change replaces alanine, which is neutral and non-polar, with serine, which is neutral and polar, at codon 316 of the SLC52A1 protein (p.Ala316Ser). This variant is not present in population databases (gnomAD no frequency). This variant has not been reported in the literature in individuals affected with SLC52A1-related conditions. Invitae Evidence Modeling of protein sequence and biophysical properties (such as structural, functional, and spatial information, amino acid conservation, physicochemical variation, residue mobility, and thermodynamic stability) indicates that this missense variant is not expected to disrupt SLC52A1 protein function with a negative predictive value of 80%. In summary, the available evidence is currently insufficient to determine the role of this variant in disease. Therefore, it has been classified as a Variant of Uncertain Significance.